The following is an entry in ClinVar:

ClinVar aggregate classification (germline): Uncertain significance (1 of 4 stars; one submission).

Allele frequency attached by ClinVar (database versions not stated): gnomAD exomes below 0.00001.
gnomAD v4.1: 1 of 1,613,290 alleles (0.000062%); highest among the groups gnomAD compares: Non-Finnish European, 0.000085%; no homozygotes.

Submission:

Labcorp Genetics (formerly Invitae), Labcorp
Classification: Uncertain significance. Last evaluated: 2022-05-25. Review status: criteria provided, single submitter. Criteria: Invitae Variant Classification Sherloc (09022015). Collection method: clinical testing. Allele origin: germline.
Comment: In summary, the available evidence is currently insufficient to determine the role of this variant in disease. Therefore, it has been classified as a Variant of Uncertain Significance. Algorithms developed to predict the effect of missense changes on protein structure and function output the following: SIFT: "Tolerated"; PolyPhen-2: "Benign"; Align-GVGD: "Class C0". The serine amino acid residue is found in multiple mammalian species, which suggests that this missense change does not adversely affect protein function. This variant has not been reported in the literature in individuals affected with RTTN-related conditions. This variant is not present in population databases (gnomAD no frequency). This sequence change replaces proline, which is neutral and non-polar, with serine, which is neutral and polar, at codon 732 of the RTTN protein (p.Pro732Ser).

NM_173630.4(RTTN):c.2194C>T (p.Pro732Ser)

Gene: RTTN (rotatin; minus strand). Cytogenetic location: 18q22.2.
Variant type: single nucleotide variant.
Coding change: c.2194C>T on transcript NM_173630.4 (MANE Select); coding-DNA position 2194, C replaced by T.
Protein change: p.Pro732Ser; replaces proline 732 with serine.
Molecular consequence: missense variant. On other transcripts: 5 prime UTR variant (1).
Genome position (GRCh38, 1-based): chr18:70,149,016, G>A on the plus strand (C>T on the coding strand, the complement: RTTN is on the minus strand). VCF-style: chr18-70149016-G-A. GRCh37 (hg19) VCF-style: chr18-67816252-G-A.
Other names: c.-454C>T (NM_001318520.2); short protein forms P732S.
Identifiers: ClinVar variation 1966609 (VCV001966609.5), dbSNP rs2512683396, ClinGen allele CA402696065.